The following is an entry in ClinVar:

ClinVar aggregate classification (germline): Pathogenic (1 of 4 stars; one submission).

Conditions:
Bethlem myopathy 1A. Also called: Bethlem myopathy 1; Bethlem Muscular Dystrophy; MYOPATHY, BENIGN CONGENITAL, WITH CONTRACTURES. Identifiers: Orphanet 610, MedGen CN029274, MONDO:0024530, OMIM 158810.

Submission:

Labcorp Genetics (formerly Invitae), Labcorp
Classification: Pathogenic for Bethlem myopathy 1A. Last evaluated: 2022-08-23. Review status: criteria provided, single submitter. Criteria: Invitae Variant Classification Sherloc (09022015). Collection method: clinical testing. Allele origin: germline.
Comment: Algorithms developed to predict the effect of sequence changes on RNA splicing suggest that this variant may disrupt the consensus splice site. For these reasons, this variant has been classified as Pathogenic. This sequence change creates a premature translational stop signal (p.Ser623Argfs*106) in the COL6A1 gene. It is expected to result in an absent or disrupted protein product. Loss-of-function variants in COL6A1 are known to be pathogenic (PMID: 19884007, 20976770). This variant is not present in population databases (gnomAD no frequency). This variant has not been reported in the literature in individuals affected with COL6A1-related conditions. ClinVar contains an entry for this variant (Variation ID: 1389428).

Literature cited by the submitters: PubMed 19884007; PubMed 20976770.

NM_001848.3(COL6A1):c.1867_1868del (p.Ser623fs)

Gene: COL6A1 (collagen type VI alpha 1 chain; plus strand). Cytogenetic location: 21q22.3.
Variant type: Deletion.
Coding change: c.1867_1868del on transcript NM_001848.3 (MANE Select); coding-DNA positions 1867 to 1868, 2 bases deleted (TC; older notation c.1867_1868delTC).
Protein change: p.Ser623fs; shifts the reading frame from serine 623.
Molecular consequence: frameshift variant.
Genome position (GRCh38, 1-based): chr21:46,001,297-46,001,298, TC deleted; deleting any 2 consecutive bases within chr21:46,001,296-46,001,298 gives the same sequence; the c. name uses the placement nearest the transcript's 3' end. VCF-style (leftmost placement, unchanged base first): chr21-46001295-GCT-G. GRCh37 (hg19) VCF-style: chr21-47421209-GCT-G.
Other names: short protein forms S623fs.
Identifiers: ClinVar variation 1389428 (VCV001389428.6), dbSNP rs2123488904, ClinGen allele CA2573157637.